The following is an entry in ClinVar:

NM_004990.4(MARS1):c.2141A>G (p.His714Arg)

Gene: MARS1 (methionyl-tRNA synthetase 1; plus strand). Cytogenetic location: 12q13.3.
Variant type: single nucleotide variant.
Coding change: c.2141A>G on transcript NM_004990.4 (MANE Select); coding-DNA position 2141, A replaced by G.
Protein change: p.His714Arg; replaces histidine 714 with arginine.
Molecular consequence: missense variant.
Genome position (GRCh38, 1-based): chr12:57,514,995, A>G. VCF-style: chr12-57514995-A-G. GRCh37 (hg19) VCF-style: chr12-57908778-A-G.
Other names: short protein forms H714R.
Identifiers: ClinVar variation 4789361 (VCV004789361.1).
Genomic context (GRCh38, chr12:57,514,995, plus strand): 5'-CTGCTTCCTCCCTTCCCAGGATCCGGGATGCCTTGCGCAGTATCCTCACCATATCTCGAC[A>G]TGGCAACCAATATATTCAGGTGAATGAGCCCTGGAAGCGGATTAAAGGCAGTGAGGCTGA-3'
Protein context (NP_004981.2, residues 704-724): ALRSILTISR[His714Arg]GNQYIQVNEP

ClinVar aggregate classification (germline): Uncertain significance (1 of 4 stars; one submission).

Conditions:
Severe early-onset pulmonary alveolar proteinosis due to MARS deficiency. Also called: PULMONARY ALVEOLAR PROTEINOSIS, REUNION ISLAND; Interstitial lung and liver disease. Identifiers: Orphanet 440427, MedGen C4225400, MONDO:0014206, OMIM 615486.
Charcot-Marie-Tooth disease axonal type 2U. Also called: CHARCOT-MARIE-TOOTH NEUROPATHY, TYPE 2U; CHARCOT-MARIE-TOOTH DISEASE, AXONAL, AUTOSOMAL DOMINANT, TYPE 2U. Identifiers: Orphanet 397735, MedGen C4084821, MONDO:0014566, OMIM 616280.

gnomAD v4.1: 6 of 1,614,182 alleles (0.00037%); highest among the groups gnomAD compares: Middle Eastern, 0.033%; no homozygotes.

Submission:

Labcorp Genetics (formerly Invitae), Labcorp
Classification: Uncertain significance for Charcot-Marie-Tooth disease axonal type 2U; Severe early-onset pulmonary alveolar proteinosis due to MARS deficiency. Last evaluated: 2025-08-13. Review status: criteria provided, single submitter. Criteria: Invitae Variant Classification Sherloc (09022015). Collection method: clinical testing. Allele origin: germline.
Comment: This sequence change replaces histidine, which is basic and polar, with arginine, which is basic and polar, at codon 714 of the MARS protein (p.His714Arg). This variant is not present in population databases (gnomAD no frequency). This variant has not been reported in the literature in individuals affected with MARS-related conditions. An algorithm developed to predict the effect of missense changes on protein structure and function (PolyPhen-2) suggests that this variant is likely to be tolerated. In summary, the available evidence is currently insufficient to determine the role of this variant in disease. Therefore, it has been classified as a Variant of Uncertain Significance.